The following is an entry in ClinVar:

NM_001267550.2(TTN):c.107450C>T (p.Ser35817Leu)

Genes: TTN (titin; minus strand), TTN-AS1 (TTN antisense RNA 1; plus strand). Cytogenetic location: 2q31.2.
Variant type: single nucleotide variant.
Coding change: c.107450C>T on transcript NM_001267550.2 (MANE Select); coding-DNA position 107450, C replaced by T.
Protein change: p.Ser35817Leu; replaces serine 35817 with leucine.
Molecular consequence: missense variant.
Genome position (GRCh38, 1-based): chr2:178,527,676, G>A on the plus strand (C>T on the coding strand, the complement: TTN is on the minus strand). VCF-style: chr2-178527676-G-A. GRCh37 (hg19) VCF-style: chr2-179392403-G-A.
Other names: c.102527C>T, p.Ser34176Leu (NM_001256850.1); c.80255C>T, p.Ser26752Leu (NM_003319.4); c.99746C>T, p.Ser33249Leu (NM_133378.4); c.80630C>T, p.Ser26877Leu (NM_133432.3); c.80831C>T, p.Ser26944Leu (NM_133437.4); short protein forms S35817L, S33249L, S34176L, S26752L, S26877L, S26944L.
Identifiers: ClinVar variation 281477 (VCV000281477.18), dbSNP rs766440492, ClinGen allele CA1984935.

ClinVar aggregate classification (germline): Conflicting classifications of pathogenicity. Review status: criteria provided, conflicting classifications (1 of 4 stars). 9 submissions from 9 submitters: Uncertain significance (6); Likely benign (1). 2 of the submissions do not count toward it. Last evaluated 2026-05-01.

Conditions:
Cardiomyopathy (CMYO). Also called: Cardiomyopathies. Identifiers: Orphanet 167848, MedGen C0878544, MONDO:0004994, HP:0001638. Inheritance: Various modes of inheritance.
Dilated cardiomyopathy 1G (CMD1G). Identifiers: Orphanet 154, MedGen C1858763, MONDO:0011400, OMIM 604145.
Tibial muscular dystrophy (TMD). Also called: UDD MYOPATHY; Udd Distal Myopathy – Tibial Muscular Dystrophy; Tibial muscular dystrophy, tardive. Identifiers: Orphanet 609, MedGen C1838244, MONDO:0010870, OMIM 600334.
Early-onset myopathy with fatal cardiomyopathy (CMYO5). Also called: Salih Myopathy; CONGENITAL MYOPATHY 5 WITH CARDIOMYOPATHY. Identifiers: Orphanet 289377, MedGen C2673677, MONDO:0012714, OMIM 611705. Disease mechanism: loss of function.
Autosomal recessive limb-girdle muscular dystrophy type 2J (LGMDR10). Also called: Limb-girdle muscular dystrophy, type 2J; MUSCULAR DYSTROPHY, LIMB-GIRDLE, AUTOSOMAL RECESSIVE 10. Identifiers: Orphanet 140922, MedGen C1837342, MONDO:0012127, OMIM 608807.
Hypertrophic cardiomyopathy 9. Also called: Familial hypertrophic cardiomyopathy 9. Identifiers: MedGen C1861065, MONDO:0013412, OMIM 613765.
Myopathy, myofibrillar, 9, with early respiratory failure (MFM9). Also called: Hereditary myopathy with early respiratory failure; EDSTROM MYOPATHY; MYOPATHY, PROXIMAL, WITH EARLY RESPIRATORY MUSCLE INVOLVEMENT; Myopathy, distal, with early respiratory failure, autosomal dominant. Identifiers: Orphanet 178464, Orphanet 34521, MedGen C1863599, MONDO:0011362, OMIM 603689.
Cardiovascular phenotype. Identifiers: MedGen CN230736.

Allele frequency attached by ClinVar (database versions not stated): gnomAD exomes 0.00002 and 0.00007; TOPMed 0.00002; ExAC 0.00003; gnomAD 0.00003.
gnomAD v4.1: 107 of 1,613,330 alleles (0.0066%); highest among the groups gnomAD compares: Non-Finnish European, 0.0083%; no homozygotes.

Submissions (9):

Women's Health and Genetics/Laboratory Corporation of America, LabCorp
Classification: Uncertain significance. Last evaluated: 2026-05-01. Review status: criteria provided, single submitter. Criteria: LabCorp Variant Classification Summary - May 2015. Collection method: clinical testing. Allele origin: germline.
Comment: Variant summary: TTN c.99746C>T (p.Ser33249Leu) results in a non-conservative amino acid change in the encoded protein sequence. Algorithms developed to predict the effect of missense changes on protein structure and function are either unavailable or do not agree on the potential impact of this missense change. The variant allele was found at a frequency of 2.4e-05 in 248404 control chromosomes (gnomAD). The available data on variant occurrences in the general population are insufficient to allow any conclusion about variant significance. c.99746C>T has been observed in an individual affected with Dilated Cardiomyopathy (Mazzarotto_2020). This report does not provide unequivocal conclusions about association of the variant with Dilated Cardiomyopathy. To our knowledge, no experimental evidence demonstrating an impact on protein function has been reported. The following publication has been ascertained in the context of this evaluation (PMID: 31983221). ClinVar contains an entry for this variant (Variation ID: 281477). Based on the evidence outlined above, the variant was classified as uncertain significance.

ARUP Laboratories, Molecular Genetics and Genomics, ARUP Laboratories
Classification: Uncertain significance. Last evaluated: 2024-01-09. Review status: criteria provided, single submitter. Criteria: ARUP Molecular Germline Variant Investigation Process 2024. Collection method: clinical testing. Allele origin: germline.
Comment: The TTN c.107450C>T; p.Ser35817Leu variant (rs766440492; ClinVar Variation ID: 281477) is rare in the general population (<0.2% allele frequency in the Genome Aggregation Database) and has not been reported in the medical literature in association with dilated cardiomyopathy (DCM) or other TTN-related disease. The clinical relevance of rare missense variants in this gene, which are identified on average once per individual sequenced in affected populations (Herman 2012), is not well understood. Yet, evidence suggests that the vast majority of such missense variants do not contribute to the clinical outcome of DCM (Begay 2015). Thus, the clinical significance of the p.Ser35817Leu variant cannot be determined with certainty. References: Begay RL et al. Role of Titin Missense Variants in Dilated Cardiomyopathy. J Am Heart Assoc. 2015 Nov 13;4(11). PMID: 26567375. Herman DS et al. Truncations of titin causing dilated cardiomyopathy. N Engl J Med. 2012 Feb 16;366(7):619-28. PMID: 22335739. Linke WA and Hamdani N. Gigantic business: titin properties and function through thick and thin. Circ Res 2014; 114(6): 1052-1068. PMID: 24625729.

Fulgent Genetics
Classification: Uncertain significance for Tibial muscular dystrophy; Myopathy, myofibrillar, 9, with early respiratory failure; Dilated cardiomyopathy 1G; Autosomal recessive limb-girdle muscular dystrophy type 2J; Early-onset myopathy with fatal cardiomyopathy; Hypertrophic cardiomyopathy 9. Last evaluated: 2021-10-17. Review status: criteria provided, single submitter. Criteria: ACMG Guidelines, 2015. Collection method: clinical testing. Allele origin: unknown.

Ambry Genetics
Classification: Likely benign for Cardiovascular phenotype. Last evaluated: 2020-05-14. Review status: criteria provided, single submitter. Criteria: Ambry Variant Classification Scheme 2023. Collection method: clinical testing. Allele origin: germline.

Revvity Omics, Revvity
Classification: Uncertain significance. Last evaluated: 2019-08-20. Review status: criteria provided, single submitter. Criteria: ACMG Guidelines, 2015. Collection method: clinical testing. Allele origin: germline.

CHEO Genetics Diagnostic Laboratory, Children's Hospital of Eastern Ontario
Classification: Uncertain significance for Cardiomyopathy. Last evaluated: 2017-02-14. Review status: criteria provided, single submitter. Criteria: ACMG Guidelines, 2015. Collection method: clinical testing. Allele origin: germline. Study: Canadian Open Genetics Repository.

Eurofins Ntd Llc (ga)
Classification: Uncertain significance. Last evaluated: 2016-01-26. Review status: criteria provided, single submitter. Criteria: EGL Classification Definitions 2015. Collection method: clinical testing. Allele origin: germline. Observed: 1 variant allele, 1 heterozygote.

Clinical Genetics, Academic Medical Center
Classification: Uncertain significance. Review status: no assertion criteria provided. Collection method: clinical testing. Allele origin: germline. Affected: yes. Study: VKGL Data-share Consensus. Not counted in ClinVar's aggregate classification.

Joint Genome Diagnostic Labs from Nijmegen and Maastricht, Radboudumc and MUMC+
Classification: Uncertain significance. Review status: no assertion criteria provided. Collection method: clinical testing. Allele origin: germline. Affected: yes. Study: VKGL Data-share Consensus. Not counted in ClinVar's aggregate classification.

Literature cited by the submitters: PubMed 31983221 (cited by Women's Health and Genetics/Laboratory Corporation of America, LabCorp).